The following is an entry in ClinVar:

ClinVar aggregate classification (germline): Likely pathogenic (1 of 4 stars; one submission).

Allele frequency attached by ClinVar (database versions not stated): TOPMed below 0.00001.

Submission:

Labcorp Genetics (formerly Invitae), Labcorp
Classification: Likely pathogenic. Last evaluated: 2022-05-12. Review status: criteria provided, single submitter. Criteria: Invitae Variant Classification Sherloc (09022015). Collection method: clinical testing. Allele origin: germline.
Comment: Algorithms developed to predict the effect of sequence changes on RNA splicing suggest that this variant may disrupt the consensus splice site. In summary, the currently available evidence indicates that the variant is pathogenic, but additional data are needed to prove that conclusively. Therefore, this variant has been classified as Likely Pathogenic. This variant has not been reported in the literature in individuals affected with POLE-related conditions. This variant is not present in population databases (gnomAD no frequency). This sequence change affects an acceptor splice site in intron 11 of the POLE gene. It is expected to disrupt RNA splicing. Variants that disrupt the donor or acceptor splice site typically lead to a loss of protein function (PMID: 16199547), and loss-of-function variants in POLE are known to be pathogenic (PMID: 23230001, 25948378, 30503519).

Literature cited by the submitters: PubMed 16199547; PubMed 23230001; PubMed 25948378; PubMed 30503519.

NM_006231.4(POLE):c.1107-1G>A

Gene: POLE (DNA polymerase epsilon, catalytic subunit; minus strand). Cytogenetic location: 12q24.33.
Variant type: single nucleotide variant.
Coding change: c.1107-1G>A on transcript NM_006231.4 (MANE Select); the canonical splice acceptor site of the intron before coding-DNA position 1107, G replaced by A.
Molecular consequence: splice acceptor variant.
Genome position (GRCh38, 1-based): chr12:132,675,518, C>T on the plus strand (G>A on the coding strand, the complement: POLE is on the minus strand). VCF-style: chr12-132675518-C-T. GRCh37 (hg19) VCF-style: chr12-133252104-C-T.
Identifiers: ClinVar variation 2084232 (VCV002084232.4), dbSNP rs2043027502, ClinGen allele CA387361250.
Genomic context (GRCh38, chr12:132,675,518, plus strand): 5'-AAGCCTATCTCCTGCTGCATGCTCAGACCGTGGACTGCTGCCCGGGCCTCCACAAATGGC[C>T]TGGGTTGGAAAGAGGACAGACAAGCAAGTGGGCAGGTCAGGCTCTAATGCCCCTTTCTCC-3'